The following is an entry in ClinVar:

ClinVar aggregate classification (germline): Pathogenic/Likely pathogenic. Review status: criteria provided, multiple submitters, no conflicts (2 of 4 stars). 6 submissions from 6 submitters: Pathogenic (1); Likely pathogenic (4). 1 of the submissions does not count toward it. Last evaluated 2025-12-10.

Conditions:
Zellweger spectrum disorders (ZS). Also called: Zellweger Spectrum Disorder; Zellweger Spectrum; Zellweger syndrome; Zellweger Spectrum Disorder (ZSD). Identifiers: Orphanet 912, MedGen C0043459, MONDO:0019609.
Heimler syndrome 1 (HMLR1). Also called: PEROXISOME BIOGENESIS DISORDER 1C. Identifiers: Orphanet 3220, MedGen C4551980, OMIM 234580, MONDO:0024544.
Peroxisome biogenesis disorder 1A (Zellweger) (PBD1A). Also called: Zellweger leukodystrophy; Peroxisome biogenesis disorder 1a. Identifiers: MedGen C4721541, MONDO:0008953, OMIM 214100.

Allele frequency attached by ClinVar (database versions not stated): gnomAD exomes 0.00003 and 0.00004; TOPMed 0.00003; gnomAD 0.00004; ExAC 0.00005.
gnomAD v4.1: 46 of 1,613,738 alleles (0.0029%); highest among the groups gnomAD compares: Non-Finnish European, 0.0036%; no homozygotes.

Submissions (6):

Natera, Inc.
Classification: Likely pathogenic for Zellweger syndrome. Last evaluated: 2025-12-10. Review status: criteria provided, single submitter. Criteria: Natera Variant Classification Schema (03/2026). Collection method: clinical testing. Allele origin: germline.
Comment: The c.2846G>A variant in PEX1 is a missense variant predicted to cause substitution of arginine to glutamine at amino acid 949. This variant is rare in the general population with a frequency below the threshold expected for the associated phenotype(s). This variant has been observed in one or more individuals affected with the associated recessive disease, as either homozygous or compound heterozygous with a second variant (PMID: 1389485). A different variant at the same position has been determined to be Pathogenic or Likely Pathogenic. Computational prediction algorithms indicate this variant is likely to affect gene or protein function. Given the available evidence, this variant is classified as Likely Pathogenic.

Labcorp Genetics (formerly Invitae), Labcorp
Classification: Pathogenic for Zellweger spectrum disorders. Last evaluated: 2024-12-16. Review status: criteria provided, single submitter. Criteria: Invitae Variant Classification Sherloc (09022015). Collection method: clinical testing. Allele origin: germline.
Comment: This sequence change replaces arginine, which is basic and polar, with glutamine, which is neutral and polar, at codon 949 of the PEX1 protein (p.Arg949Gln). This variant is present in population databases (rs61750425, gnomAD 0.007%). This missense change has been observed in individuals with a Zellweger syndrome spectrum disorder (PMID: 11389485, 21031596, 31964843; internal dataexternalcommunication). ClinVar contains an entry for this variant (Variation ID: 556176). Invitae Evidence Modeling of protein sequence and biophysical properties (such as structural, functional, and spatial information, amino acid conservation, physicochemical variation, residue mobility, and thermodynamic stability) indicates that this missense variant is expected to disrupt PEX1 protein function with a positive predictive value of 95%. This variant disrupts the p.Arg949 amino acid residue in PEX1. Other variant(s) that disrupt this residue have been determined to be pathogenic (PMID: 21031596, 21844578, 27469511). This suggests that this residue is clinically significant, and that variants that disrupt this residue are likely to be disease-causing. For these reasons, this variant has been classified as Pathogenic.

GeneDx
Classification: Likely pathogenic. Last evaluated: 2024-10-30. Review status: criteria provided, single submitter. Criteria: GeneDx Variant Classification Process June 2021. Collection method: clinical testing. Allele origin: germline. Affected: yes.
Comment: Not observed at significant frequency in large population cohorts (gnomAD); In silico analysis supports that this missense variant has a deleterious effect on protein structure/function; This variant is associated with the following publications: (PMID: 16086329, 15542397, 31374812, 34426522, 11389485, 31964843, 35586607, 21031596)

Baylor Genetics
Classification: Likely pathogenic for Heimler syndrome 1. Last evaluated: 2024-03-28. Review status: criteria provided, single submitter. Criteria: ACMG Guidelines, 2015. Collection method: clinical testing. Allele origin: unknown.

Revvity Omics, Revvity
Classification: Likely pathogenic. Last evaluated: 2023-12-13. Review status: criteria provided, single submitter. Criteria: ACMG Guidelines, 2015. Collection method: clinical testing. Allele origin: germline.

Counsyl
Classification: Uncertain significance for Peroxisome biogenesis disorder 1A (Zellweger). Last evaluated: 2018-01-16. Review status: no assertion criteria provided. Collection method: clinical testing. Allele origin: unknown. Not counted in ClinVar's aggregate classification.

Literature cited by the submitters: PubMed 1389485 (cited by Natera, Inc.); PubMed 11389485 (cited by Labcorp Genetics (formerly Invitae), Labcorp and Counsyl); PubMed 21031596 (cited by Labcorp Genetics (formerly Invitae), Labcorp and Counsyl); PubMed 31964843 (cited by Labcorp Genetics (formerly Invitae), Labcorp); PubMed 21844578 (cited by Labcorp Genetics (formerly Invitae), Labcorp); PubMed 27469511 (cited by Labcorp Genetics (formerly Invitae), Labcorp).

NM_000466.3(PEX1):c.2846G>A (p.Arg949Gln)

Genes: GATAD1 (GATA zinc finger domain containing 1; plus strand), PEX1 (peroxisomal biogenesis factor 1; minus strand). Cytogenetic location: 7q21.2.
Variant type: single nucleotide variant.
Coding change: c.2846G>A on transcript NM_000466.3 (MANE Select); coding-DNA position 2846, G replaced by A.
Protein change: p.Arg949Gln; replaces arginine 949 with glutamine.
Molecular consequence: missense variant.
Genome position (GRCh38, 1-based): chr7:92,494,567, C>T on the plus strand (G>A on the coding strand, the complement: PEX1 is on the minus strand). VCF-style: chr7-92494567-C-T. GRCh37 (hg19) VCF-style: chr7-92123881-C-T.
Other names: c.2675G>A, p.Arg892Gln (NM_001282677.2); c.2222G>A, p.Arg741Gln (NM_001282678.2); short protein forms R949Q, R741Q, R892Q.
Identifiers: ClinVar variation 556176 (VCV000556176.17), dbSNP rs61750425, ClinGen allele CA4340993.